The following is an entry in ClinVar:

ClinVar aggregate classification (germline): Uncertain significance (1 of 4 stars; one submission).

Conditions:
Hereditary cancer-predisposing syndrome. Also called: Tumor predisposition; Hereditary Cancer Syndrome; Hereditary neoplastic syndrome; Neoplastic Syndromes, Hereditary. Identifiers: Orphanet 140162, MedGen C0027672, MeSH D009386, MONDO:0015356.

gnomAD v4.1: 1 of 1,588,410 alleles (0.000063%); highest among the groups gnomAD compares: Non-Finnish European, 0.000086%; no homozygotes.

Submission:

Ambry Genetics
Classification: Uncertain significance for Hereditary cancer-predisposing syndrome. Last evaluated: 2025-11-26. Review status: criteria provided, single submitter. Criteria: Ambry Variant Classification Scheme 2023. Collection method: clinical testing. Allele origin: germline.
Comment: The c.4266+1G>A intronic variant results from a G to A substitution one nucleotide after coding exon 29 of the SMARCA4 gene. This region of the SMARCA4 gene is excluded from other biologically relevant transcripts. This nucleotide position is highly conserved on limited sequence alignment. In silico splice site analysis predicts that this alteration will not have any significant effect on splicing. Based on the available evidence, the clinical significance of this variant remains unclear.

NM_001387283.1(SMARCA4):c.4266+1G>A

Gene: SMARCA4 (SWI/SNF related BAF chromatin remodeling complex subunit ATPase 4; plus strand). Cytogenetic location: 19p13.2.
Variant type: single nucleotide variant.
Coding change: c.4266+1G>A on transcript NM_001387283.1 (MANE Plus Clinical); the canonical splice donor site of the intron after coding-DNA position 4266, G replaced by A.
Molecular consequence: splice donor variant. On other transcripts: intron variant (7).
Genome position (GRCh38, 1-based): chr19:11,039,554, G>A. VCF-style: chr19-11039554-G-A. GRCh37 (hg19) VCF-style: chr19-11150230-G-A.
Other names: c.4171-1753G>A (NM_001128844.3, NM_003072.5); c.4266+1G>A (NM_001128849.3); c.4072-1753G>A (NM_001128847.4, NM_001374457.1, NM_001128848.2); c.4167+1G>A (NM_001411150.1); c.4072-1744G>A (NM_001128845.2, NM_001128846.2).
Identifiers: ClinVar variation 4549700 (VCV004549700.1).